The following is an entry in ClinVar:

ClinVar aggregate classification (germline): Uncertain significance (1 of 4 stars; one submission).

Conditions:
Arrhythmogenic right ventricular dysplasia 8 (ARVD8). Also called: Arrhythmogenic Right Ventricular Dysplasia/Cardiomyopathy 8; ARRHYTHMOGENIC RIGHT VENTRICULAR DYSPLASIA, FAMILIAL, 8; ARRHYTHMOGENIC RIGHT VENTRICULAR CARDIOMYOPATHY 8. Identifiers: MedGen C1843896, MONDO:0011831, OMIM 607450.
Arrhythmogenic cardiomyopathy with wooly hair and keratoderma. Also called: Carvajal syndrome; Arrhythmogenic cardiomyopathy with woolly hair and keratoderma; PALMOPLANTAR KERATODERMA WITH LEFT VENTRICULAR CARDIOMYOPATHY AND WOOLLY HAIR; Dilated cardiomyopathy with woolly hair and keratoderma. Identifiers: Orphanet 65282, MedGen C1854063, MONDO:0011581, OMIM 605676.

gnomAD v4.1: 1 of 1,614,214 alleles (0.000062%); highest among the groups gnomAD compares: Non-Finnish European, 0.000085%; no homozygotes.

Submission:

Labcorp Genetics (formerly Invitae), Labcorp
Classification: Uncertain significance for Arrhythmogenic cardiomyopathy with wooly hair and keratoderma; Arrhythmogenic right ventricular dysplasia 8. Last evaluated: 2022-04-17. Review status: criteria provided, single submitter. Criteria: Invitae Variant Classification Sherloc (09022015). Collection method: clinical testing. Allele origin: germline.
Comment: This sequence change replaces aspartic acid, which is acidic and polar, with glycine, which is neutral and non-polar, at codon 2796 of the DSP protein (p.Asp2796Gly). This variant is not present in population databases (gnomAD no frequency). This variant has not been reported in the literature in individuals affected with DSP-related conditions. Algorithms developed to predict the effect of missense changes on protein structure and function are either unavailable or do not agree on the potential impact of this missense change (SIFT: "Deleterious"; PolyPhen-2: "Probably Damaging"; Align-GVGD: "Class C0"). In summary, the available evidence is currently insufficient to determine the role of this variant in disease. Therefore, it has been classified as a Variant of Uncertain Significance.

NM_004415.4(DSP):c.8387A>G (p.Asp2796Gly)

Gene: DSP (desmoplakin; plus strand). Cytogenetic location: 6p24.3.
Variant type: single nucleotide variant.
Coding change: c.8387A>G on transcript NM_004415.4 (MANE Select); coding-DNA position 8387, A replaced by G.
Protein change: p.Asp2796Gly; replaces aspartic acid 2796 with glycine.
Molecular consequence: missense variant.
Genome position (GRCh38, 1-based): chr6:7,585,649, A>G. VCF-style: chr6-7585649-A-G. GRCh37 (hg19) VCF-style: chr6-7585882-A-G.
Other names: c.6590A>G, p.Asp2197Gly (NM_001008844.3); c.7058A>G, p.Asp2353Gly (NM_001319034.2); short protein forms D2197G, D2353G, D2796G.
Identifiers: ClinVar variation 2151665 (VCV002151665.1), dbSNP rs888716643, ClinGen allele CA362695053.